The following is an entry in ClinVar:

ClinVar aggregate classification (germline): Uncertain significance. Review status: criteria provided, multiple submitters, no conflicts (2 of 4 stars). 3 submissions from 3 submitters: Uncertain significance (3). Last evaluated 2022-12-01.

Conditions:
Dilated cardiomyopathy 1EE (CMD1EE). Identifiers: Orphanet 154, MedGen C2750466, MONDO:0013198, OMIM 613252.
Sick sinus syndrome 3, susceptibility to (SSS3). Identifiers: Orphanet 166282, MedGen C3279791, MONDO:0013568, OMIM 614090.
Atrial septal defect 3 (ASD3). Identifiers: Orphanet 1478, MedGen C3279790, MONDO:0013567, OMIM 614089.
Hypertrophic cardiomyopathy 14. Identifiers: MedGen C2750467, MONDO:0013197, OMIM 613251.
Hypertrophic cardiomyopathy 1 (CMH1). Also called: Familial hypertrophic cardiomyopathy 1; MYH7-Related Familial Hypertrophic Cardiomyopathy. Identifiers: MedGen C3495498, MONDO:0008647, OMIM 192600.
Cardiovascular phenotype. Identifiers: MedGen CN230736.

Allele frequency attached by ClinVar (database versions not stated): gnomAD exomes 0.00001; TOPMed 0.00001; gnomAD 0.00002.

Submissions (3):

Ambry Genetics
Classification: Uncertain significance for Cardiovascular phenotype. Last evaluated: 2022-12-01. Review status: criteria provided, single submitter. Criteria: Ambry Variant Classification Scheme 2023. Collection method: clinical testing. Allele origin: germline.
Comment: The p.R404W variant (also known as c.1210C>T), located in coding exon 11 of the MYH6 gene, results from a C to T substitution at nucleotide position 1210. The arginine at codon 404 is replaced by tryptophan, an amino acid with dissimilar properties. This amino acid position is highly conserved in available vertebrate species. In addition, this alteration is predicted to be deleterious by in silico analysis. Since supporting evidence is limited at this time, the clinical significance of this alteration remains unclear.

Labcorp Genetics (formerly Invitae), Labcorp
Classification: Uncertain significance for Hypertrophic cardiomyopathy 14. Last evaluated: 2022-09-07. Review status: criteria provided, single submitter. Criteria: Invitae Variant Classification Sherloc (09022015). Collection method: clinical testing. Allele origin: germline.
Comment: This sequence change replaces arginine, which is basic and polar, with tryptophan, which is neutral and slightly polar, at codon 404 of the MYH6 protein (p.Arg404Trp). This variant is present in population databases (no rsID available, gnomAD 0.007%). This variant has not been reported in the literature in individuals affected with MYH6-related conditions. ClinVar contains an entry for this variant (Variation ID: 470504). Algorithms developed to predict the effect of missense changes on protein structure and function are either unavailable or do not agree on the potential impact of this missense change (SIFT: "Deleterious"; PolyPhen-2: "Probably Damaging"; Align-GVGD: "Class C0"). In summary, the available evidence is currently insufficient to determine the role of this variant in disease. Therefore, it has been classified as a Variant of Uncertain Significance.

Fulgent Genetics
Classification: Uncertain significance for Hypertrophic cardiomyopathy 1; Hypertrophic cardiomyopathy 14; Dilated cardiomyopathy 1EE; Atrial septal defect 3; Sick sinus syndrome 3, susceptibility to. Last evaluated: 2021-08-18. Review status: criteria provided, single submitter. Criteria: ACMG Guidelines, 2015. Collection method: clinical testing. Allele origin: unknown.

NM_002471.4(MYH6):c.1210C>T (p.Arg404Trp)

Gene: MYH6 (myosin heavy chain 6; minus strand). Cytogenetic location: 14q11.2.
Variant type: single nucleotide variant.
Coding change: c.1210C>T on transcript NM_002471.4 (MANE Select); coding-DNA position 1210, C replaced by T.
Protein change: p.Arg404Trp; replaces arginine 404 with tryptophan.
Molecular consequence: missense variant.
Genome position (GRCh38, 1-based): chr14:23,400,909, G>A on the plus strand (C>T on the coding strand, the complement: MYH6 is on the minus strand). VCF-style: chr14-23400909-G-A. GRCh37 (hg19) VCF-style: chr14-23870118-G-A.
Other names: short protein forms R404W.
Identifiers: ClinVar variation 470504 (VCV000470504.12), dbSNP rs1271657601, ClinGen allele CA389024292.